The following is an entry in ClinVar:

ClinVar aggregate classification (germline): Pathogenic. Review status: criteria provided, single submitter (1 of 4 stars). 3 submissions from 3 submitters: Pathogenic (1). 2 of the submissions do not count toward it. Last evaluated 2017-05-01.

Conditions:
Early-onset progressive encephalopathy-hearing loss-pons hypoplasia-brain atrophy syndrome. Also called: ENCEPHALOPATHY, PROGRESSIVE, EARLY-ONSET, WITH BRAIN ATROPHY AND SPASTICITY. Identifiers: Orphanet 500144, MedGen C5567229, MONDO:0044696, OMIM 617669.
Progressive childhood encephalopathy.
TRAPPC12-related disorder. Also called: TRAPPC12-related condition.

Submissions (3):

UW Hindbrain Malformation Research Program, University of Washington
Classification: Pathogenic for Progressive childhood encephalopathy. Last evaluated: 2017-05-01. Review status: criteria provided, single submitter. Criteria: Milev et al. (Am J Hum Genet. 2017). Collection method: research. Allele origin: paternal. Affected: yes.

PreventionGenetics, part of Exact Sciences
Classification: Likely pathogenic for TRAPPC12-related condition. Last evaluated: 2024-01-17. Review status: no assertion criteria provided. Collection method: clinical testing. Allele origin: germline. Not counted in ClinVar's aggregate classification.
Comment: The TRAPPC12 c.360dupC variant is predicted to result in a frameshift and premature protein termination (p.Glu121Argfs*7). This variant has been reported in the compound heterozygous state in two siblings with progressive childhood encephalopathy and golgi dysfunction (Milev et al. 2017. PubMed ID: 28777934). This variant has not been reported in a large population database, indicating this variant is rare. Frameshift variants in TRAPPC12 are expected to be pathogenic. This variant is interpreted as likely pathogenic.

OMIM
Classification: Pathogenic for ENCEPHALOPATHY, PROGRESSIVE, EARLY-ONSET, WITH BRAIN ATROPHY AND SPASTICITY. Last evaluated: 2017-09-18. Review status: no assertion criteria provided. Collection method: literature only. Allele origin: germline. Not counted in ClinVar's aggregate classification.

Literature cited by the submitters: PubMed 28777934 (cited by OMIM).

NM_016030.6(TRAPPC12):c.360dup (p.Glu121fs)

Gene: TRAPPC12 (trafficking protein particle complex subunit 12; plus strand). Cytogenetic location: 2p25.3.
Variant type: Duplication.
Coding change: c.360dup on transcript NM_016030.6 (MANE Select); coding-DNA position 360, one base duplicated (C; older notation c.360dupC).
Protein change: p.Glu121fs; shifts the reading frame from glutamic acid 121.
Molecular consequence: frameshift variant.
Genome position (GRCh38, 1-based): chr2:3,387,983, C duplicated; the last of 5 consecutive C bases (chr2:3,387,979-3,387,983); duplicating any one gives the same sequence. VCF-style (leftmost placement, unchanged base first): chr2-3387978-G-GC. GRCh37 (hg19) VCF-style: chr2-3391749-G-GC.
Other names: c.360dupC (NM_016030.5); c.360dup, p.Glu121fs (NM_001321102.2); short protein forms E121fs.
Identifiers: ClinVar variation 430822 (VCV000430822.4), dbSNP rs1135401749, ClinGen allele CA645372496.